The following is an entry in ClinVar:

ClinVar aggregate classification (germline): Likely benign (1 of 4 stars; one submission).

gnomAD v4.1: 2,967 of 1,614,096 alleles (0.18%); highest among the groups gnomAD compares: Middle Eastern, 1.6%; 8 homozygotes.

Submission:

CeGaT Center for Human Genetics Tuebingen
Classification: Likely benign. Last evaluated: 2026-04-01. Review status: criteria provided, single submitter. Criteria: CeGaT Center For Human Genetics Tuebingen Variant Classification Criteria Version 2. Collection method: clinical testing. Allele origin: germline. Affected: yes. Observed: 1 variant allele.
Comment: PLEKHA6: BP4, BS2

NM_014935.5(PLEKHA6):c.517C>T (p.Arg173Trp)

Gene: PLEKHA6 (pleckstrin homology domain containing A6; minus strand). Cytogenetic location: 1q32.1.
Variant type: single nucleotide variant.
Coding change: c.517C>T on transcript NM_014935.5 (MANE Select); coding-DNA position 517, C replaced by T.
Protein change: p.Arg173Trp; replaces arginine 173 with tryptophan.
Molecular consequence: missense variant.
Genome position (GRCh38, 1-based): chr1:204,261,313, G>A on the plus strand (C>T on the coding strand, the complement: PLEKHA6 is on the minus strand). VCF-style: chr1-204261313-G-A. GRCh37 (hg19) VCF-style: chr1-204230441-G-A.
Other names: short protein forms R173W.
Identifiers: ClinVar variation 4871950 (VCV004871950.2).